The following is an entry in ClinVar:

NM_002528.7(NTHL1):c.625G>A (p.Val209Ile)

Gene: NTHL1 (nth like DNA glycosylase 1; minus strand). Cytogenetic location: 16p13.3.
Variant type: single nucleotide variant.
Coding change: c.625G>A on transcript NM_002528.7 (MANE Select); coding-DNA position 625, G replaced by A.
Protein change: p.Val209Ile; replaces valine 209 with isoleucine.
Molecular consequence: missense variant.
Genome position (GRCh38, 1-based): chr16:2,043,627, C>T on the plus strand (G>A on the coding strand, the complement: NTHL1 is on the minus strand). VCF-style: chr16-2043627-C-T. GRCh37 (hg19) VCF-style: chr16-2093628-C-T.
Other names: c.625G>A, p.Val209Ile (LRG_1366t1); c.454G>A, p.Val152Ile (NM_001318193.2); c.295G>A, p.Val99Ile (NM_001318194.2); short protein forms V152I, V209I, V99I.
Identifiers: ClinVar variation 665893 (VCV000665893.17), dbSNP rs780658029, ClinGen allele CA7828187.

ClinVar aggregate classification (germline): Uncertain significance. Review status: criteria provided, multiple submitters, no conflicts (2 of 4 stars). 6 submissions from 6 submitters: Uncertain significance (6). Last evaluated 2025-11-04.

Conditions:
Hereditary cancer-predisposing syndrome. Also called: Tumor predisposition; Neoplastic Syndromes, Hereditary; Hereditary Cancer Syndrome; Hereditary neoplastic syndrome. Identifiers: Orphanet 140162, MedGen C0027672, MeSH D009386, MONDO:0015356.
Familial adenomatous polyposis 3. Also called: NTHL1-Related Adenomatous Polyposis and Colorectal Cancer; NTHL1-associated polyposis; NTHL1-related attenuated familial adenomatous polyposis; NTHL1 Tumor Syndrome. Identifiers: Orphanet 220460, Orphanet 454840, MedGen C4225157, MONDO:0014630, OMIM 616415.

Allele frequency attached by ClinVar (database versions not stated): gnomAD 0.00001; TOPMed 0.00001; ExAC 0.00002; gnomAD exomes 0.00002.
gnomAD v4.1: 14 of 1,610,910 alleles (0.00087%); highest among the groups gnomAD compares: East Asian, 0.022%; no homozygotes.

Submissions (6):

Ambry Genetics
Classification: Uncertain significance for Hereditary cancer-predisposing syndrome. Last evaluated: 2025-11-04. Review status: criteria provided, single submitter. Criteria: Ambry Variant Classification Scheme 2023. Collection method: clinical testing. Allele origin: germline.
Comment: The p.V217I variant (also known as c.649G>A), located in coding exon 4 of the NTHL1 gene, results from a G to A substitution at nucleotide position 649. The valine at codon 217 is replaced by isoleucine, an amino acid with highly similar properties. This amino acid position is highly conserved in available vertebrate species. In addition, this alteration is predicted to be tolerated by in silico analysis. Since supporting evidence is limited at this time, the clinical significance of this alteration remains unclear.

Labcorp Genetics (formerly Invitae), Labcorp
Classification: Uncertain significance. Last evaluated: 2024-09-16. Review status: criteria provided, single submitter. Criteria: Invitae Variant Classification Sherloc (09022015). Collection method: clinical testing. Allele origin: germline.
Comment: This sequence change replaces valine, which is neutral and non-polar, with isoleucine, which is neutral and non-polar, at codon 217 of the NTHL1 protein (p.Val217Ile). This variant is present in population databases (rs780658029, gnomAD 0.02%). This variant has not been reported in the literature in individuals affected with NTHL1-related conditions. ClinVar contains an entry for this variant (Variation ID: 665893). An algorithm developed to predict the effect of missense changes on protein structure and function (PolyPhen-2) suggests that this variant is likely to be disruptive. In summary, the available evidence is currently insufficient to determine the role of this variant in disease. Therefore, it has been classified as a Variant of Uncertain Significance.

Quest Diagnostics Nichols Institute San Juan Capistrano
Classification: Uncertain significance. Last evaluated: 2024-07-09. Review status: criteria provided, single submitter. Criteria: Quest Diagnostics criteria. Collection method: clinical testing. Allele origin: unknown.
Comment: The NTHL1 c.649G>A (p.Val217Ile) variant has not been reported in individuals with NTHL1-related conditions in the published literature. The frequency of this variant in the general population, 0.00016 (3/18370 chromosomes (Genome Aggregation Database)), is uninformative in the assessment of its pathogenicity. Analysis of this variant using bioinformatics tools for the prediction of the effect of amino acid changes on protein structure and function yielded conflicting predictions that this variant is benign or damaging. Based on the available information, we are unable to determine the clinical significance of this variant.

Baylor Genetics
Classification: Uncertain significance for Familial adenomatous polyposis 3. Last evaluated: 2024-03-17. Review status: criteria provided, single submitter. Criteria: ACMG Guidelines, 2015. Collection method: clinical testing. Allele origin: unknown.

Sema4
Classification: Uncertain significance for Hereditary cancer-predisposing syndrome. Last evaluated: 2021-12-22. Review status: criteria provided, single submitter. Criteria: Sema4 Curation Guidelines. Collection method: curation. Allele origin: germline.
Comment: The NTHL1 c.649G>A (p.V217I) variant has not been reported in the literature to our knowledge. It was observed in 3/18370 chromosomes of the East Asian subpopulation in the large and broad cohorts of the Genome Aggregation Database (PMID: 32461654). This variant has been reported in ClinVar (Variation ID 665893). Functional studies have not been performed, and in silico predictions of the variant's effect on protein function are inconclusive. The evidence is insufficient to meet ACMG/AMP criteria for classifying the variant as benign or pathogenic. Thus, the clinical significance of this variant is currently uncertain.

GeneDx
Classification: Uncertain significance. Last evaluated: 2019-09-06. Review status: criteria provided, single submitter. Criteria: GeneDx Variant Classification Process June 2021. Collection method: clinical testing. Allele origin: germline. Affected: yes.
Comment: Not observed at a significant frequency in large population cohorts (Lek et al., 2016); In silico analysis, which includes protein predictors and evolutionary conservation, supports that this variant does not alter protein structure/function; Has not been previously published as pathogenic or benign to our knowledge

Literature cited by the submitters: PubMed 38724173 (cited by Quest Diagnostics Nichols Institute San Juan Capistrano).